The following is an entry in ClinVar:

ClinVar aggregate classification (germline): Uncertain significance (1 of 4 stars; one submission).

Allele frequency attached by ClinVar (database versions not stated): ExAC 0.00004; gnomAD 0.00004; gnomAD exomes 0.00004; TOPMed 0.00005.

Submission:

Labcorp Genetics (formerly Invitae), Labcorp
Classification: Uncertain significance. Last evaluated: 2022-04-17. Review status: criteria provided, single submitter. Criteria: Invitae Variant Classification Sherloc (09022015). Collection method: clinical testing. Allele origin: germline.
Comment: This sequence change replaces asparagine, which is neutral and polar, with serine, which is neutral and polar, at codon 115 of the GLRX5 protein (p.Asn115Ser). This variant is present in population databases (rs201686050, gnomAD 0.03%). This variant has not been reported in the literature in individuals affected with GLRX5-related conditions. Algorithms developed to predict the effect of missense changes on protein structure and function (SIFT, PolyPhen-2, Align-GVGD) all suggest that this variant is likely to be tolerated. In summary, the available evidence is currently insufficient to determine the role of this variant in disease. Therefore, it has been classified as a Variant of Uncertain Significance.

NM_016417.3(GLRX5):c.344A>G (p.Asn115Ser)

Gene: GLRX5 (glutaredoxin 5; plus strand). Cytogenetic location: 14q32.13.
Variant type: single nucleotide variant.
Coding change: c.344A>G on transcript NM_016417.3 (MANE Select); coding-DNA position 344, A replaced by G.
Protein change: p.Asn115Ser; replaces asparagine 115 with serine.
Molecular consequence: missense variant.
Genome position (GRCh38, 1-based): chr14:95,543,995, A>G. VCF-style: chr14-95543995-A-G. GRCh37 (hg19) VCF-style: chr14-96010332-A-G.
Other names: short protein forms N115S.
Identifiers: ClinVar variation 2175274 (VCV002175274.1), dbSNP rs201686050, ClinGen allele CA7333949.